The following is an entry in ClinVar:

NM_014049.5(ACAD9):c.1692+124G>A

Genes: ACAD9 (acyl-CoA dehydrogenase family member 9; plus strand), CFAP92 (cilia and flagella associated protein 92 (putative); minus strand). Cytogenetic location: 3q21.3.
Variant type: single nucleotide variant.
Coding change: c.1692+124G>A on transcript NM_014049.5 (MANE Select); 124 bases into the intron after coding-DNA position 1692, G replaced by A.
Molecular consequence: intron variant. On other transcripts: 3 prime UTR variant (3).
Genome position (GRCh38, 1-based): chr3:128,910,273, G>A. VCF-style: chr3-128910273-G-A. GRCh37 (hg19) VCF-style: chr3-128629116-G-A.
Other names: c.*26C>T (NM_001348520.2, NM_001348521.2, NM_001394090.1); c.1323+124G>A (NM_001410805.1).
Identifiers: ClinVar variation 675494 (VCV000675494.3), dbSNP rs73862593, ClinGen allele CA2601666.

ClinVar aggregate classification (germline): Likely benign. Review status: criteria provided, multiple submitters, no conflicts (2 of 4 stars). 2 submissions from 2 submitters: Likely benign (2). Last evaluated 2018-06-19.

Allele frequency attached by ClinVar (database versions not stated): gnomAD exomes 0.00345; ExAC 0.00889; gnomAD 0.01268; TOPMed 0.01426; 1000 Genomes Project 0.01518; 1000 Genomes Project 30x 0.01733.
gnomAD v4.1: 4,120 of 1,529,172 alleles (0.27%); highest among the groups gnomAD compares: African/African-American, 4.8%; 98 homozygotes.

Submissions (2):

GeneDx
Classification: Likely benign. Last evaluated: 2018-06-19. Review status: criteria provided, single submitter. Criteria: GeneDx Variant Classification (06012015). Collection method: clinical testing. Allele origin: germline. Affected: yes.
Comment: This variant is considered likely benign or benign based on one or more of the following criteria: it is a conservative change, it occurs at a poorly conserved position in the protein, it is predicted to be benign by multiple in silico algorithms, and/or has population frequency not consistent with disease.

Breakthrough Genomics
Classification: Likely benign. Review status: criteria provided, single submitter. Criteria: ACMG Guidelines, 2015. Collection method: not provided. Allele origin: germline. Inheritance: Autosomal recessive inheritance. Affected: yes.